The following is an entry in ClinVar:

NM_003321.5(TUFM):c.1229A>G (p.Asn410Ser)

Gene: TUFM (Tu translation elongation factor, mitochondrial; minus strand). Cytogenetic location: 16p11.2.
Variant type: single nucleotide variant.
Coding change: c.1229A>G on transcript NM_003321.5 (MANE Select); coding-DNA position 1229, A replaced by G.
Protein change: p.Asn410Ser; replaces asparagine 410 with serine.
Molecular consequence: missense variant.
Genome position (GRCh38, 1-based): chr16:28,843,114, T>C on the plus strand (A>G on the coding strand, the complement: TUFM is on the minus strand). VCF-style: chr16-28843114-T-C. GRCh37 (hg19) VCF-style: chr16-28854435-T-C.
Other names: c.1145A>G, p.Asn382Ser (NM_001365360.2); short protein forms N382S, N410S.
Identifiers: ClinVar variation 1510574 (VCV001510574.6), dbSNP rs756571326, ClinGen allele CA7985366.
Genomic context (GRCh38, chr16:28,843,114, plus strand): 5'-CCATCTCGCAGGGTGAAACGCTGGCCTTTCTCTAAGATCATTGGCTGCCGCAAGATTAGG[T>C]TGAACTTCAGGTCCTCCCCGGGCATGGCAAGCTCCTAGAGTAGGAAGAGAAGGATCATGC-3'
Protein context (NP_003312.3, residues 400-420): LAMPGEDLKF[Asn410Ser]LILRQPMILE

ClinVar aggregate classification (germline): Uncertain significance (1 of 4 stars; one submission).

Allele frequency attached by ClinVar (database versions not stated): ExAC 0.00001; gnomAD exomes 0.00001 and 0.00002; TOPMed 0.00001.

Submission:

Labcorp Genetics (formerly Invitae), Labcorp
Classification: Uncertain significance. Last evaluated: 2024-11-11. Review status: criteria provided, single submitter. Criteria: Invitae Variant Classification Sherloc (09022015). Collection method: clinical testing. Allele origin: germline.
Comment: This sequence change replaces asparagine, which is neutral and polar, with serine, which is neutral and polar, at codon 410 of the TUFM protein (p.Asn410Ser). This variant is present in population databases (rs756571326, gnomAD 0.004%). This variant has not been reported in the literature in individuals affected with TUFM-related conditions. ClinVar contains an entry for this variant (Variation ID: 1510574). Invitae Evidence Modeling of protein sequence and biophysical properties (such as structural, functional, and spatial information, amino acid conservation, physicochemical variation, residue mobility, and thermodynamic stability) indicates that this missense variant is not expected to disrupt TUFM protein function with a negative predictive value of 80%. In summary, the available evidence is currently insufficient to determine the role of this variant in disease. Therefore, it has been classified as a Variant of Uncertain Significance.